The following is an entry in ClinVar:

NM_001200.4(BMP2):c.435C>A (p.Ile145=)

Gene: BMP2 (bone morphogenetic protein 2; plus strand). Cytogenetic location: 20p12.3.
Variant type: single nucleotide variant.
Coding change: c.435C>A on transcript NM_001200.4 (MANE Select); coding-DNA position 435, C replaced by A.
Protein change: p.Ile145=; no amino-acid change (isoleucine 145 retained).
Molecular consequence: synonymous variant.
Genome position (GRCh38, 1-based): chr20:6,778,333, C>A. VCF-style: chr20-6778333-C-A. GRCh37 (hg19) VCF-style: chr20-6758980-C-A.
Identifiers: ClinVar variation 722412 (VCV000722412.9), dbSNP rs781128305, ClinGen allele CA9758685.
Genomic context (GRCh38, chr20:6,778,333, plus strand): 5'-TGGGAAAACAACCCGGAGATTCTTCTTTAATTTAAGTTCTATCCCCACGGAGGAGTTTAT[C>A]ACCTCAGCAGAGCTTCAGGTTTTCCGAGAACAGATGCAAGATGCTTTAGGAAACAATAGC-3'
Protein context (NP_001191.1, residues 135-155): NLSSIPTEEF[Ile145=]TSAELQVFRE

ClinVar aggregate classification (germline): Likely benign. Review status: criteria provided, multiple submitters, no conflicts (2 of 4 stars). 2 submissions from 2 submitters: Likely benign (2). Last evaluated 2026-08-01.

Allele frequency attached by ClinVar (database versions not stated): gnomAD 0.00001 and 0.00003; TOPMed 0.00003; ExAC 0.00004.
gnomAD v4.1: 32 of 1,614,202 alleles (0.002%); highest among the groups gnomAD compares: Admixed American, 0.053%; no homozygotes.

Submissions (2):

CeGaT Center for Human Genetics Tuebingen
Classification: Likely benign. Last evaluated: 2026-08-01. Review status: criteria provided, single submitter. Criteria: CeGaT Center For Human Genetics Tuebingen Variant Classification Criteria Version 2. Collection method: clinical testing. Allele origin: germline. Affected: yes. Observed: 1 variant allele.
Comment: BMP2: BP4

Labcorp Genetics (formerly Invitae), Labcorp
Classification: Likely benign. Last evaluated: 2024-11-27. Review status: criteria provided, single submitter. Criteria: Invitae Variant Classification Sherloc (09022015). Collection method: clinical testing. Allele origin: germline.